The following is an entry in ClinVar:

ClinVar aggregate classification (germline): Uncertain significance (1 of 4 stars; one submission).

Conditions:
Hereditary cancer-predisposing syndrome. Also called: Hereditary Cancer Syndrome; Hereditary neoplastic syndrome; Neoplastic Syndromes, Hereditary; Tumor predisposition. Identifiers: Orphanet 140162, MedGen C0027672, MeSH D009386, MONDO:0015356.

Allele frequency attached by ClinVar (database versions not stated): gnomAD exomes below 0.00001.
gnomAD v4.1: 1 of 1,614,242 alleles (0.000062%); highest among the groups gnomAD compares: Non-Finnish European, 0.000085%; no homozygotes.

Submission:

Ambry Genetics
Classification: Uncertain significance for Hereditary cancer-predisposing syndrome. Last evaluated: 2022-05-11. Review status: criteria provided, single submitter. Criteria: Ambry Variant Classification Scheme 2023. Collection method: clinical testing. Allele origin: germline.
Comment: The p.P1486L variant (also known as c.4457C>T), located in coding exon 29 of the ALK gene, results from a C to T substitution at nucleotide position 4457. The proline at codon 1486 is replaced by leucine, an amino acid with similar properties. This amino acid position is conserved. In addition, this alteration is predicted to be tolerated by in silico analysis. Since supporting evidence is limited at this time, the clinical significance of this alteration remains unclear.

NM_004304.5(ALK):c.4457C>T (p.Pro1486Leu)

Gene: ALK (ALK receptor tyrosine kinase; minus strand). Cytogenetic location: 2p23.2.
Variant type: single nucleotide variant.
Coding change: c.4457C>T on transcript NM_004304.5 (MANE Select); coding-DNA position 4457, C replaced by T.
Protein change: p.Pro1486Leu; replaces proline 1486 with leucine.
Molecular consequence: missense variant.
Genome position (GRCh38, 1-based): chr2:29,193,630, G>A on the plus strand (C>T on the coding strand, the complement: ALK is on the minus strand). VCF-style: chr2-29193630-G-A. GRCh37 (hg19) VCF-style: chr2-29416496-G-A.
Other names: c.1253C>T, p.Pro418Leu (NM_001353765.2); short protein forms P1486L, P418L.
Identifiers: ClinVar variation 1740738 (VCV001740738.2), dbSNP rs2148138259, ClinGen allele CA346462025.
Genomic context (GRCh38, chr2:29,193,630, plus strand): 5'-GTTGGGTTCCACAAGCTGGTGGGCTTGTTTCTGGATCCGTGGACCTTGTGCAACTCCGAA[G>A]GAGGGTTGGACTGAGAGAATGCCATATTCACGTGTCCCCCTTCCACGGCCGGCCCTCTAG-3'
Protein context (NP_004295.2, residues 1476-1496): VNMAFSQSNP[Pro1486Leu]SELHKVHGSR